The following is an entry in ClinVar:

ClinVar aggregate classification (germline): Conflicting classifications of pathogenicity. Review status: criteria provided, conflicting classifications (1 of 4 stars). 3 submissions from 3 submitters: Uncertain significance (1); Likely benign (2). Last evaluated 2025-01-08.

Allele frequency attached by ClinVar (database versions not stated): TOPMed below 0.00001; gnomAD 0.00001; gnomAD exomes 0.00003.
gnomAD v4.1: 25 of 931,242 alleles (0.0027%); highest among the groups gnomAD compares: South Asian, 0.031%; no homozygotes.

Submissions (3):

Women's Health and Genetics/Laboratory Corporation of America, LabCorp
Classification: Likely benign. Last evaluated: 2025-01-08. Review status: criteria provided, single submitter. Criteria: LabCorp Variant Classification Summary - May 2015. Collection method: clinical testing. Allele origin: germline.
Comment: Variant summary: HBB c.316-124A>T is located at a position not widely known to affect splicing. Consensus agreement among computation tools predict no significant impact on normal splicing. However, these predictions have yet to be confirmed by functional studies. The variant allele was found at a frequency of 2.7e-05 in 931242 control chromosomes. This frequency is not significantly higher than estimated for a pathogenic variant in HBB causing Hemoglobinopathy (2.7e-05 vs 0.011), allowing no conclusion about variant significance. c.316-124A>T has been reported in the literature in an individual affected with mild Hemoglobinopathy (beta+) (Arpaci_2021). However, this report does not provide unequivocal conclusions about association of the variant with Hemoglobinopathy. To our knowledge, no experimental evidence demonstrating an impact on protein function has been reported. ClinVar contains an entry for this variant (Variation ID: 801187). Based on the evidence outlined above, the variant was classified as likely benign.

Labcorp Genetics (formerly Invitae), Labcorp
Classification: Likely benign. Last evaluated: 2024-02-06. Review status: criteria provided, single submitter. Criteria: Invitae Variant Classification Sherloc (09022015). Collection method: clinical testing. Allele origin: germline.

Quest Diagnostics Nichols Institute San Juan Capistrano
Classification: Uncertain significance. Last evaluated: 2020-11-16. Review status: criteria provided, single submitter. Criteria: Quest Diagnostics criteria. Collection method: clinical testing. Allele origin: unknown.

Literature cited by the submitters: PubMed 33851260 (cited by Women's Health and Genetics/Laboratory Corporation of America, LabCorp).

NM_000518.5(HBB):c.316-124A>T

Genes: HBB (hemoglobin subunit beta; minus strand), LOC107133510 (origin of replication at HBB; plus strand), LOC110006319 (beta-globin gene 3' regulatory region; plus strand). Cytogenetic location: 11p15.4.
Variant type: single nucleotide variant.
Coding change: c.316-124A>T on transcript NM_000518.5 (MANE Select); 124 bases into the intron before coding-DNA position 316, A replaced by T.
Molecular consequence: intron variant.
Genome position (GRCh38, 1-based): chr11:5,225,850, T>A on the plus strand (A>T on the coding strand, the complement: HBB is on the minus strand). VCF-style: chr11-5225850-T-A. GRCh37 (hg19) VCF-style: chr11-5247080-T-A.
Identifiers: ClinVar variation 801187 (VCV000801187.16), dbSNP rs1184042209, ClinGen allele CA597217539.